The following is an entry in ClinVar:

NM_006946.4(SPTBN2):c.812C>T (p.Thr271Ile)

Gene: SPTBN2 (spectrin beta, non-erythrocytic 2; minus strand). Cytogenetic location: 11q13.2.
Variant type: single nucleotide variant.
Coding change: c.812C>T on transcript NM_006946.4 (MANE Select); coding-DNA position 812, C replaced by T.
Protein change: p.Thr271Ile; replaces threonine 271 with isoleucine.
Molecular consequence: missense variant.
Genome position (GRCh38, 1-based): chr11:66,710,990, G>A on the plus strand (C>T on the coding strand, the complement: SPTBN2 is on the minus strand). VCF-style: chr11-66710990-G-A. GRCh37 (hg19) VCF-style: chr11-66478461-G-A.
Other names: short protein forms T271I.
Identifiers: ClinVar variation 1029118 (VCV001029118.1), dbSNP rs1941829953, ClinGen allele CA381482753.

ClinVar aggregate classification (germline): Likely pathogenic (1 of 4 stars; one submission).

Conditions:
Spinocerebellar ataxia type 5 (SCA5). Identifiers: Orphanet 98766, MedGen C0752123, MONDO:0010848, OMIM 600224.

Submission:

Baylor Genetics
Classification: Likely pathogenic for Spinocerebellar ataxia type 5. Last evaluated: 2020-06-04. Review status: criteria provided, single submitter. Criteria: ACMG Guidelines, 2015. Collection method: clinical testing. Allele origin: de novo. Affected: yes.
Comment: This variant was determined to be likely pathogenic according to ACMG Guidelines, 2015 [PMID:25741868].